The following is an entry in ClinVar:

ClinVar aggregate classification (germline): Uncertain significance (1 of 4 stars; one submission).

Submission:

Labcorp Genetics (formerly Invitae), Labcorp
Classification: Uncertain significance. Last evaluated: 2024-03-24. Review status: criteria provided, single submitter. Criteria: Invitae Variant Classification Sherloc (09022015). Collection method: clinical testing. Allele origin: germline.
Comment: This sequence change replaces valine, which is neutral and non-polar, with isoleucine, which is neutral and non-polar, at codon 1258 of the VCAN protein (p.Val1258Ile). This variant is not present in population databases (gnomAD no frequency). This variant has not been reported in the literature in individuals affected with VCAN-related conditions. Algorithms developed to predict the effect of missense changes on protein structure and function output the following: SIFT: "Not Available"; PolyPhen-2: "Benign"; Align-GVGD: "Not Available". The isoleucine amino acid residue is found in multiple mammalian species, which suggests that this missense change does not adversely affect protein function. In summary, the available evidence is currently insufficient to determine the role of this variant in disease. Therefore, it has been classified as a Variant of Uncertain Significance.

NM_004385.5(VCAN):c.3772G>A (p.Val1258Ile)

Gene: VCAN (versican; plus strand). Cytogenetic location: 5q14.3.
Variant type: single nucleotide variant.
Coding change: c.3772G>A on transcript NM_004385.5 (MANE Select); coding-DNA position 3772, G replaced by A.
Protein change: p.Val1258Ile; replaces valine 1258 with isoleucine.
Molecular consequence: missense variant. On other transcripts: intron variant (2).
Genome position (GRCh38, 1-based): chr5:83,522,078, G>A. VCF-style: chr5-83522078-G-A. GRCh37 (hg19) VCF-style: chr5-82817897-G-A.
Other names: c.1042+9682G>A (NM_001126336.3, NM_001164097.2); c.3772G>A, p.Val1258Ile (NM_001164098.2); short protein forms V1258I.
Identifiers: ClinVar variation 3646666 (VCV003646666.2).